The following is an entry in ClinVar:

ClinVar aggregate classification (germline): Pathogenic (1 of 4 stars; one submission).

Submission:

Labcorp Genetics (formerly Invitae), Labcorp
Classification: Pathogenic. Last evaluated: 2024-02-12. Review status: criteria provided, single submitter. Criteria: Invitae Variant Classification Sherloc (09022015). Collection method: clinical testing. Allele origin: germline.
Comment: This sequence change creates a premature translational stop signal (p.Lys514Argfs*14) in the COL4A4 gene. It is expected to result in an absent or disrupted protein product. Loss-of-function variants in COL4A4 are known to be pathogenic (PMID: 21196518, 24854265, 25307543). This variant is not present in population databases (gnomAD no frequency). This variant has not been reported in the literature in individuals affected with COL4A4-related conditions. For these reasons, this variant has been classified as Pathogenic.

Literature cited by the submitters: PubMed 21196518; PubMed 24854265; PubMed 25307543.

NM_000092.5(COL4A4):c.1541_1542del (p.Lys514fs)

Gene: COL4A4 (collagen type IV alpha 4 chain; minus strand). Cytogenetic location: 2q36.3.
Variant type: Deletion.
Coding change: c.1541_1542del on transcript NM_000092.5 (MANE Select); coding-DNA positions 1541 to 1542, 2 bases deleted (AG; older notation c.1541_1542delAG).
Protein change: p.Lys514fs; shifts the reading frame from lysine 514.
Molecular consequence: frameshift variant.
Genome position (GRCh38, 1-based): chr2:227,088,734-227,088,735, CT deleted on the plus strand (AG on the coding strand, the reverse complement: COL4A4 is on the minus strand). VCF-style (leftmost placement, unchanged base first): chr2-227088733-CCT-C. GRCh37 (hg19) VCF-style: chr2-227953449-CCT-C.
Other names: short protein forms K514fs.
Identifiers: ClinVar variation 3640310 (VCV003640310.2).